The following is an entry in ClinVar:

NM_001127222.2(CACNA1A):c.5479C>G (p.His1827Asp)

Gene: CACNA1A (calcium voltage-gated channel subunit alpha1 A; minus strand). Cytogenetic location: 19p13.13.
Variant type: single nucleotide variant.
Coding change: c.5479C>G on transcript NM_001127222.2 (MANE Select); coding-DNA position 5479, C replaced by G.
Protein change: p.His1827Asp; replaces histidine 1827 with aspartic acid.
Molecular consequence: missense variant.
Genome position (GRCh38, 1-based): chr19:13,230,131, G>C on the plus strand (C>G on the coding strand, the complement: CACNA1A is on the minus strand). VCF-style: chr19-13230131-G-C. GRCh37 (hg19) VCF-style: chr19-13340945-G-C.
Other names: c.5497C>G, p.His1833Asp (NM_000068.4, NM_023035.3); c.5482C>G, p.His1828Asp (NM_001127221.2); c.5488C>G, p.His1830Asp (NM_001174080.2); short protein forms H1828D, H1827D, H1830D, H1833D.
Identifiers: ClinVar variation 422249 (VCV000422249.5), dbSNP rs1064795658, ClinGen allele CA16620776.

ClinVar aggregate classification (germline): Uncertain significance. Review status: criteria provided, multiple submitters, no conflicts (2 of 4 stars). 3 submissions from 3 submitters: Uncertain significance (3). Last evaluated 2025-07-13.

Conditions:
Developmental and epileptic encephalopathy, 42 (DEE42A). Also called: DEVELOPMENTAL AND EPILEPTIC ENCEPHALOPATHY 42A; EPILEPTIC ENCEPHALOPATHY, EARLY INFANTILE, 42A; Epileptic encephalopathy, early infantile, 42. Identifiers: MedGen C4310716, MONDO:0014917, OMIM 617106.
Episodic ataxia type 2 (EA2). Also called: ATAXIA, EPISODIC, WITH NYSTAGMUS; ATAXIA, FAMILIAL PAROXYSMAL; CEREBELLAR ATAXIA, PAROXYSMAL, ACETAZOLAMIDE-RESPONSIVE; CEREBELLOPATHY, HEREDITARY PAROXYSMAL; EPISODIC ATAXIA, NYSTAGMUS-ASSOCIATED; ACETAZOLAMIDE-RESPONSIVE HEREDITARY PAROXYSMAL CEREBELLAR ATAXIA. Identifiers: Orphanet 97, MedGen C1720416, MONDO:0007163, OMIM 108500.

Allele frequency attached by ClinVar (database versions not stated): gnomAD exomes below 0.00001.
gnomAD v4.1: 1 of 1,613,906 alleles (0.000062%); highest among the groups gnomAD compares: Non-Finnish European, 0.000085%; no homozygotes.

Submissions (3):

Labcorp Genetics (formerly Invitae), Labcorp
Classification: Uncertain significance for Developmental and epileptic encephalopathy, 42; Episodic ataxia type 2. Last evaluated: 2025-07-13. Review status: criteria provided, single submitter. Criteria: Invitae Variant Classification Sherloc (09022015). Collection method: clinical testing. Allele origin: germline.
Comment: This sequence change replaces histidine, which is basic and polar, with aspartic acid, which is acidic and polar, at codon 1828 of the CACNA1A protein (p.His1828Asp). This variant is not present in population databases (gnomAD no frequency). This variant has not been reported in the literature in individuals affected with CACNA1A-related conditions. ClinVar contains an entry for this variant (Variation ID: 422249). Invitae Evidence Modeling of protein sequence and biophysical properties (such as structural, functional, and spatial information, amino acid conservation, physicochemical variation, residue mobility, and thermodynamic stability) indicates that this missense variant is expected to disrupt CACNA1A protein function with a positive predictive value of 95%. In summary, the available evidence is currently insufficient to determine the role of this variant in disease. Therefore, it has been classified as a Variant of Uncertain Significance.

GeneDx
Classification: Uncertain significance. Last evaluated: 2023-05-09. Review status: criteria provided, single submitter. Criteria: GeneDx Variant Classification Process June 2021. Collection method: clinical testing. Allele origin: germline. Affected: yes.
Comment: Not observed at significant frequency in large population cohorts (gnomAD); In silico analysis supports that this missense variant has a deleterious effect on protein structure/function; Has not been previously published as pathogenic or benign to our knowledge

Blueprint Genetics
Classification: Uncertain significance. Last evaluated: 2021-12-29. Review status: criteria provided, single submitter. Criteria: ACMG Guidelines, 2015. Collection method: clinical testing. Allele origin: germline.